The following is an entry in ClinVar:

ClinVar aggregate classification (germline): Likely benign (1 of 4 stars; one submission).

Allele frequency attached by ClinVar (database versions not stated): ESP Exome Variant Server 0.00008; gnomAD 0.00015; ExAC 0.00016.
gnomAD v4.1: 504 of 1,612,842 alleles (0.031%); highest among the groups gnomAD compares: East Asian, 0.1%; no homozygotes.

Submission:

CeGaT Center for Human Genetics Tuebingen
Classification: Likely benign. Last evaluated: 2022-07-01. Review status: criteria provided, single submitter. Criteria: CeGaT Center For Human Genetics Tuebingen Variant Classification Criteria Version 2. Collection method: clinical testing. Allele origin: germline. Affected: yes. Observed: 1 variant allele.
Comment: PI4KA: BP4, BP7

NM_058004.4(PI4KA):c.4839G>T (p.Ala1613=)

Gene: PI4KA (phosphatidylinositol 4-kinase alpha; minus strand). Cytogenetic location: 22q11.21.
Variant type: single nucleotide variant.
Coding change: c.4839G>T on transcript NM_058004.4 (MANE Select); coding-DNA position 4839, G replaced by T.
Protein change: p.Ala1613=; no amino-acid change (alanine 1613 retained).
Molecular consequence: synonymous variant.
Genome position (GRCh38, 1-based): chr22:20,727,332, C>A on the plus strand (G>T on the coding strand, the complement: PI4KA is on the minus strand). VCF-style: chr22-20727332-C-A. GRCh37 (hg19) VCF-style: chr22-21081620-C-A.
Other names: c.4746G>T, p.Ala1582= (NM_001362862.2); c.4773G>T, p.Ala1591= (NM_001362863.2).
Identifiers: ClinVar variation 2652911 (VCV002652911.24), dbSNP rs138429041, ClinGen allele CA10114937.